The following is an entry in ClinVar:

NM_174936.4(PCSK9):c.1958C>A (p.Thr653Lys)

Gene: PCSK9 (proprotein convertase subtilisin/kexin type 9; plus strand). Cytogenetic location: 1p32.3.
Variant type: single nucleotide variant.
Coding change: c.1958C>A on transcript NM_174936.4 (MANE Select); coding-DNA position 1958, C replaced by A.
Protein change: p.Thr653Lys; replaces threonine 653 with lysine.
Molecular consequence: missense variant. On other transcripts: non-coding transcript variant (8).
Genome position (GRCh38, 1-based): chr1:55,063,463, C>A. VCF-style: chr1-55063463-C-A. GRCh37 (hg19) VCF-style: chr1-55529136-C-A.
Other names: c.2081C>A, p.Thr694Lys (NM_001407240.1); c.2000C>A, p.Thr667Lys (NM_001407241.1); c.1961C>A, p.Thr654Lys (NM_001407242.1); c.1901C>A, p.Thr634Lys (NM_001407243.1); c.1784C>A, p.Thr595Lys (NM_001407244.1); c.1766C>A, p.Thr589Lys (NM_001407245.1); c.1583C>A, p.Thr528Lys (NM_001407246.1); c.1457C>A, p.Thr486Lys (NM_001407247.1); short protein forms T486K, T528K, T589K, T595K, T634K, T653K, T654K, T667K.
Identifiers: ClinVar variation 3071326 (VCV003071326.4), dbSNP rs759099468, ClinGen allele CA039889.

ClinVar aggregate classification (germline): Uncertain significance. Review status: criteria provided, multiple submitters, no conflicts (2 of 4 stars). 4 submissions from 4 submitters: Uncertain significance (4). Last evaluated 2025-06-23.

Conditions:
Familial hypercholesterolemia. Also called: Familial hypercholesterolemias; Familial hypercholesterolaemia. Identifiers: MedGen C0020445, MONDO:0005439.
Cardiovascular phenotype. Identifiers: MedGen CN230736.
Hypercholesterolemia, autosomal dominant, 3 (FHCL3). Also called: Familial Hypercholesterolemia, Autosomal Dominant, 3; PCSK9-Related Familial Hypercholesterolemia, Autosomal Dominant; Familial hypercholesterolemia 3. Identifiers: MedGen C1863551, MONDO:0011369, OMIM 603776.

Allele frequency attached by ClinVar (database versions not stated): ExAC 0.00001.

Submissions (4):

Color Diagnostics, LLC DBA Color Health
Classification: Uncertain significance for Familial hypercholesterolemia. Last evaluated: 2025-06-23. Review status: criteria provided, single submitter. Criteria: ACMG Guidelines, 2015. Collection method: clinical testing. Allele origin: germline.
Comment: This missense variant replaces threonine with lysine at codon 653 of the PCSK9 protein. Computational prediction suggests that this variant may not impact protein structure and function. To our knowledge, functional studies have not been reported for this variant. This variant has not been reported in individuals affected with PCSK9-related disorders in the literature. This variant has been identified in 2/250900 chromosomes in the general population by the Genome Aggregation Database (gnomAD). The available evidence is insufficient to determine the role of this variant in disease conclusively. Therefore, this variant is classified as a Variant of Uncertain Significance.

Ambry Genetics
Classification: Uncertain significance for Cardiovascular phenotype. Last evaluated: 2025-02-06. Review status: criteria provided, single submitter. Criteria: Ambry Variant Classification Scheme 2023. Collection method: clinical testing. Allele origin: germline.
Comment: The p.T653K variant (also known as c.1958C>A), located in coding exon 12 of the PCSK9 gene, results from a C to A substitution at nucleotide position 1958. The threonine at codon 653 is replaced by lysine, an amino acid with similar properties. This amino acid position is conserved. In addition, this alteration is predicted to be tolerated by in silico analysis. Based on the available evidence, the clinical significance of this variant remains unclear.

GeneDx
Classification: Uncertain significance. Last evaluated: 2023-11-08. Review status: criteria provided, single submitter. Criteria: GeneDx Variant Classification Process June 2021. Collection method: clinical testing. Allele origin: germline. Affected: yes.
Comment: Not observed at significant frequency in large population cohorts (gnomAD); In silico analysis supports that this missense variant does not alter protein structure/function; Has not been previously published as pathogenic or benign to our knowledge

All of Us Research Program, National Institutes of Health
Classification: Uncertain significance for Hypercholesterolemia, autosomal dominant, 3. Last evaluated: 2023-05-31. Review status: criteria provided, single submitter. Criteria: ACMG Guidelines, 2015. Collection method: clinical testing. Allele origin: germline. Inheritance: Autosomal dominant inheritance. Observed: 1 variant allele, 1 heterozygote.
Comment: This study involves interpretation of variants in research participants for the purpose of population health screening. Participant phenotype was not available at the time of variant classification. Additional details can be found in publication PMID: 35346344, PMCID: PMC8962531